The following is an entry in ClinVar:

ClinVar aggregate classification (germline): Uncertain significance (1 of 4 stars; one submission).

Submission:

GeneDx
Classification: Uncertain significance. Last evaluated: 2026-04-23. Review status: criteria provided, single submitter. Criteria: GeneDx Variant Classification Process June 2021. Collection method: clinical testing. Allele origin: germline.
Comment: Not observed at significant frequency in large population cohorts (gnomAD); In silico analysis supports that this missense variant has a deleterious effect on protein structure/function; Has not been previously published as pathogenic or benign to our knowledge

NM_004789.4(LHX2):c.341G>T (p.Arg114Leu)

Gene: LHX2 (LIM homeobox 2; plus strand). Cytogenetic location: 9q33.3.
Variant type: single nucleotide variant.
Coding change: c.341G>T on transcript NM_004789.4 (MANE Select); coding-DNA position 341, G replaced by T.
Protein change: p.Arg114Leu; replaces arginine 114 with leucine.
Molecular consequence: missense variant.
Genome position (GRCh38, 1-based): chr9:124,015,139, G>T. VCF-style: chr9-124015139-G-T. GRCh37 (hg19) VCF-style: chr9-126777418-G-T.
Other names: short protein forms R114L.
Identifiers: ClinVar variation 3767486 (VCV003767486.2).
Genomic context (GRCh38, chr9:124,015,139, plus strand): 5'-CAACCGTGTGTTCCCACAGCCCCTCCCTCCATGGTCCCTACAGGCGCTTCTCTGTGCAGC[G>T]CTGCGCCCGCTGCCACCTGGGCATCTCGGCCTCGGAGATGGTGATGCGCGCTCGGGACTT-3'
Protein context (NP_004780.3, residues 104-124): EDYYRRFSVQ[Arg114Leu]CARCHLGISA